The following is an entry in ClinVar:

ClinVar aggregate classification (germline): Likely pathogenic (0 of 4 stars; one submission).

Conditions:
Imerslund-Grasbeck syndrome. Also called: PERNICIOUS ANEMIA, JUVENILE, DUE TO SELECTIVE INTESTINAL MALABSORPTION OF VITAMIN B12, WITH PROTEINURIA; Megaloblastic anemia due to inborn errors of metabolism; Imerslund-Gräsbeck syndrome; ENTEROCYTE COBALAMIN MALABSORPTION; ENTEROCYTE INTRINSIC FACTOR RECEPTOR, DEFECT OF. Identifiers: Orphanet 35858, MedGen C4551825, MONDO:0009853.

Submission:

Juha Muilu Group; Institute for Molecular Medicine Finland (FIMM)
Classification: Likely pathogenic for Megaloblastic anemia due to inborn errors of metabolism. Review status: no assertion criteria provided. Collection method: not provided. Allele origin: unknown.
Comment: FinDis database variant: This variant was not found or characterized by our laboratory, data were collected from public sources: see reference
ClinVar note: Converted during submission from probable-pathogenic to Likely pathogenic.

NM_030943.4(AMN):c.683_730del (p.Gln228_Leu243del)

Gene: AMN (amnion associated transmembrane protein; plus strand). Cytogenetic location: 14q32.32.
Variant type: Deletion.
Coding change: c.683_730del on transcript NM_030943.4 (MANE Select); coding-DNA positions 683 to 730, 48 bases deleted.
Protein change: p.Gln228_Leu243del.
Molecular consequence: inframe deletion.
Genome position (GRCh38, 1-based): chr14:102,929,459-102,929,506, 48 bases deleted; deleting any 48 consecutive bases within chr14:102,929,455-102,929,506 gives the same sequence; the c. name uses the placement nearest the transcript's 3' end. GRCh37 (hg19): chr14:103,395,796-103,395,843.
Identifiers: ClinVar variation 56757 (VCV000056757.2), dbSNP rs386834175, ClinGen allele CA144417.